The following is an entry in ClinVar:

NM_005448.2(BMP15):c.520C>T (p.Pro174Ser)

Gene: BMP15 (bone morphogenetic protein 15; plus strand). Cytogenetic location: Xp11.22.
Variant type: single nucleotide variant.
Coding change: c.520C>T on transcript NM_005448.2 (MANE Select); coding-DNA position 520, C replaced by T.
Protein change: p.Pro174Ser; replaces proline 174 with serine.
Molecular consequence: missense variant.
Genome position (GRCh38, 1-based): chrX:50,915,948, C>T. VCF-style: chrX-50915948-C-T. GRCh37 (hg19) VCF-style: chrX-50658948-C-T.
Other names: short protein forms P174S.
Identifiers: ClinVar variation 914979 (VCV000914979.4), dbSNP rs201058308, ClinGen allele CA10416554.
Genomic context (GRCh38, chrX:50,915,948, plus strand): 5'-CCCTGGGTGCAGAAAAACCCAACCAACCACTTCCCTTCCTCAGAAGGAGATTCCTCAAAA[C>T]CTTCCCTGATGTCTAACGCTTGGAAAGAGATGGATATCACACAACTTGTTCAGCAAAGGT-3'
Protein context (NP_005439.2, residues 164-184): FPSSEGDSSK[Pro174Ser]SLMSNAWKEM

ClinVar aggregate classification (germline): Likely benign (1 of 4 stars; one submission).

Conditions:
Ovarian dysgenesis 2 (ODG2). Also called: OVARIAN DYSGENESIS, HYPERGONADOTROPIC, X-LINKED; OVARIAN FAILURE, HYPERGONADOTROPIC, DUE TO OVARIAN DYSGENESIS. Identifiers: Orphanet 243, MedGen C1845294, MONDO:0010349, OMIM 300510.

Allele frequency attached by ClinVar (database versions not stated): gnomAD 0.00004; ExAC 0.00006; TOPMed 0.00006; gnomAD exomes 0.00008 and 0.00014; ESP Exome Variant Server 0.00019.

Submission:

Illumina Laboratory Services, Illumina
Classification: Likely benign for Ovarian dysgenesis 2. Last evaluated: 2017-04-28. Review status: criteria provided, single submitter. Criteria: ICSL Variant Classification Criteria 13 December 2019. Collection method: clinical testing. Allele origin: germline.
Comment: This variant was observed as part of a predisposition screen in an ostensibly healthy population. A literature search was performed for the gene, cDNA change, and amino acid change (where applicable). No publications were found based on this search. Allele frequency data from public databases allowed determination this variant is unlikely to cause disease. Therefore, this variant is classified as likely benign.